The following is an entry in ClinVar:

ClinVar aggregate classification (germline): Uncertain significance (1 of 4 stars; one submission).

gnomAD v4.1: 1 of 1,609,870 alleles (0.000062%); highest among the groups gnomAD compares: Admixed American, 0.0017%; no homozygotes.

Submission:

Labcorp Genetics (formerly Invitae), Labcorp
Classification: Uncertain significance. Last evaluated: 2025-10-10. Review status: criteria provided, single submitter. Criteria: Invitae Variant Classification Sherloc (09022015). Collection method: clinical testing. Allele origin: germline.
Comment: This sequence change replaces proline, which is neutral and non-polar, with leucine, which is neutral and non-polar, at codon 288 of the NAA15 protein (p.Pro288Leu). This variant is present in population databases (rs778741013, gnomAD 0.003%). This variant has not been reported in the literature in individuals affected with NAA15-related conditions. An algorithm developed to predict the effect of missense changes on protein structure and function (PolyPhen-2) suggests that this variant is likely to be disruptive. In summary, the available evidence is currently insufficient to determine the role of this variant in disease. Therefore, it has been classified as a Variant of Uncertain Significance.

NM_057175.5(NAA15):c.863C>T (p.Pro288Leu)

Gene: NAA15 (N-alpha-acetyltransferase 15, NatA auxiliary subunit; plus strand). Cytogenetic location: 4q31.1.
Variant type: single nucleotide variant.
Coding change: c.863C>T on transcript NM_057175.5 (MANE Select); coding-DNA position 863, C replaced by T.
Protein change: p.Pro288Leu; replaces proline 288 with leucine.
Molecular consequence: missense variant.
Genome position (GRCh38, 1-based): chr4:139,351,242, C>T. VCF-style: chr4-139351242-C-T. GRCh37 (hg19) VCF-style: chr4-140272396-C-T.
Other names: c.863C>T, p.Pro288Leu (NM_001410842.1); short protein forms P288L.
Identifiers: ClinVar variation 4806739 (VCV004806739.1).
Genomic context (GRCh38, chr4:139,351,242, plus strand): 5'-TGTTTGCAGCTAATATGTTAGAACGGCTAAAAATTTATGAGGAAGCCTGGACTAAATATC[C>T]CAGGGGACTGGTGCCAAGAAGGCTGCCGTTAAACTTTTTATCTGGTAAGTGAGAATAATT-3'
Protein context (NP_476516.1, residues 278-298): KIYEEAWTKY[Pro288Leu]RGLVPRRLPL